The following is an entry in ClinVar:

NM_001323289.2(CDKL5):c.238C>T (p.Arg80Cys)

Gene: CDKL5 (cyclin dependent kinase like 5; plus strand). Cytogenetic location: Xp22.13.
Variant type: single nucleotide variant.
Coding change: c.238C>T on transcript NM_001323289.2 (MANE Select); coding-DNA position 238, C replaced by T.
Protein change: p.Arg80Cys; replaces arginine 80 with cysteine.
Molecular consequence: missense variant.
Genome position (GRCh38, 1-based): chrX:18,575,446, C>T. VCF-style: chrX-18575446-C-T. GRCh37 (hg19) VCF-style: chrX-18593566-C-T.
Other names: c.238C>T (NM_003159.2); c.238C>T, p.Arg80Cys (NM_001037343.2, NM_003159.3); short protein forms R80C.
Identifiers: ClinVar variation 1053624 (VCV001053624.12), dbSNP rs1466254546, ClinGen allele CA412348730.

ClinVar aggregate classification (germline): Uncertain significance. Review status: criteria provided, multiple submitters, no conflicts (2 of 4 stars). 2 submissions from 2 submitters: Uncertain significance (2). Last evaluated 2025-08-20.

Conditions:
Angelman syndrome-like. Identifiers: MedGen CN128785.
Developmental and epileptic encephalopathy, 2 (DEE2). Also called: INFANTILE SPASM SYNDROME, X-LINKED 2; CDKL5 deficiency disorder. Identifiers: Orphanet 1934, Orphanet 3451, Orphanet 505652, MedGen C4750718, MONDO:0010396, OMIM 300672.

Allele frequency attached by ClinVar (database versions not stated): TOPMed below 0.00001; gnomAD exomes 0.00002.
gnomAD v4.1: 6 of 1,209,327 alleles (0.0005%); highest among the groups gnomAD compares: Admixed American, 0.0087%; no homozygotes.

Submissions (2):

Labcorp Genetics (formerly Invitae), Labcorp
Classification: Uncertain significance for Developmental and epileptic encephalopathy, 2; Angelman syndrome-like. Last evaluated: 2025-08-20. Review status: criteria provided, single submitter. Criteria: Invitae Variant Classification Sherloc (09022015). Collection method: clinical testing. Allele origin: germline.
Comment: This sequence change replaces arginine, which is basic and polar, with cysteine, which is neutral and slightly polar, at codon 80 of the CDKL5 protein (p.Arg80Cys). This variant is present in population databases (no rsID available, gnomAD 0.008%). This missense change has been observed in individual(s) with early-onset seizures (PMID: 30945278). ClinVar contains an entry for this variant (Variation ID: 1053624). Invitae Evidence Modeling of protein sequence and biophysical properties (such as structural, functional, and spatial information, amino acid conservation, physicochemical variation, residue mobility, and thermodynamic stability) indicates that this missense variant is expected to disrupt CDKL5 protein function with a positive predictive value of 95%. In summary, the available evidence is currently insufficient to determine the role of this variant in disease. Therefore, it has been classified as a Variant of Uncertain Significance.

GeneDx
Classification: Uncertain significance. Last evaluated: 2023-05-24. Review status: criteria provided, single submitter. Criteria: GeneDx Variant Classification Process June 2021. Collection method: clinical testing. Allele origin: germline. Affected: yes.
Comment: Reported in an individual with epilepsy who inherited the variant from a mother with an unknown phenotype (Jiao et al., 2019); In silico analysis supports that this missense variant has a deleterious effect on protein structure/function; This variant is associated with the following publications: (PMID: 34859793, 30945278)

Literature cited by the submitters: PubMed 30945278 (cited by Labcorp Genetics (formerly Invitae), Labcorp).